The following is an entry in ClinVar:

ClinVar aggregate classification (germline): Pathogenic (1 of 4 stars; one submission).

Conditions:
Duchenne muscular dystrophy (DMD). Also called: MUSCULAR DYSTROPHY, PSEUDOHYPERTROPHIC PROGRESSIVE, DUCHENNE TYPE; Duchenne Muscular Dystrophy (DMD). Identifiers: Orphanet 98896, MedGen C0013264, MONDO:0010679, OMIM 310200.

Submission:

Labcorp Genetics (formerly Invitae), Labcorp
Classification: Pathogenic for Duchenne muscular dystrophy. Last evaluated: 2022-07-25. Review status: criteria provided, single submitter. Criteria: Invitae Variant Classification Sherloc (09022015). Collection method: clinical testing. Allele origin: germline.
Comment: This variant is not present in population databases (gnomAD no frequency). For these reasons, this variant has been classified as Pathogenic. This variant has not been reported in the literature in individuals affected with DMD-related conditions. This sequence change creates a premature translational stop signal (p.Leu3238Hisfs*3) in the DMD gene. It is expected to result in an absent or disrupted protein product. Loss-of-function variants in DMD are known to be pathogenic (PMID: 16770791, 25007885).

Literature cited by the submitters: PubMed 16770791; PubMed 25007885.

NM_004006.3(DMD):c.9712_9713insA (p.Leu3238fs)

Gene: DMD (dystrophin; minus strand). Cytogenetic location: Xp21.2.
Variant type: Insertion.
Coding change: c.9712_9713insA on transcript NM_004006.3 (MANE Select); coding-DNA positions 9712 to 9713, A inserted.
Protein change: p.Leu3238fs; shifts the reading frame from leucine 3238.
Molecular consequence: frameshift variant.
Genome position: GRCh38 VCF-style: chrX-31204055-A-AT. GRCh37 (hg19) VCF-style: chrX-31222172-A-AT.
Other names: c.9688_9689insA, p.Leu3230fs (NM_000109.4); c.9700_9701insA, p.Leu3234fs (NM_004009.3); c.9343_9344insA, p.Leu3115fs (NM_004010.3); c.5689_5690insA, p.Leu1897fs (NM_004011.4); c.5680_5681insA, p.Leu1894fs (NM_004012.4); c.2332_2333insA, p.Leu778fs (NM_004013.3, NM_004020.4, NM_004021.3 and 2 more transcripts); c.1525_1526insA, p.Leu509fs (NM_004014.3); c.508_509insA, p.Leu170fs (NM_004015.3, NM_004016.3, NM_004017.3 and 2 more transcripts); short protein forms L170fs, L1897fs, L3238fs, L509fs, L1894fs, L3230fs, L3234fs, L778fs.
Identifiers: ClinVar variation 2051377 (VCV002051377.4), dbSNP rs2521063915, ClinGen allele CA2580100560.